The following is an entry in ClinVar:

ClinVar aggregate classification (germline): Pathogenic (1 of 4 stars; one submission).

Submission:

Labcorp Genetics (formerly Invitae), Labcorp
Classification: Pathogenic. Last evaluated: 2023-05-08. Review status: criteria provided, single submitter. Criteria: Invitae Variant Classification Sherloc (09022015). Collection method: clinical testing. Allele origin: germline.
Comment: This variant is present in population databases (rs775734065, gnomAD 0.003%). This premature translational stop signal has been observed in individual(s) with choreoacanthocytosis (PMID: 31192303). For these reasons, this variant has been classified as Pathogenic. This sequence change creates a premature translational stop signal (p.Tyr2885Leufs*2) in the VPS13A gene. It is expected to result in an absent or disrupted protein product. Loss-of-function variants in VPS13A are known to be pathogenic (PMID: 12404112, 21598378).

Literature cited by the submitters: PubMed 31192303; PubMed 12404112; PubMed 21598378.

NM_033305.3(VPS13A):c.8653dup (p.Tyr2885fs)

Gene: VPS13A (vacuolar protein sorting 13 homolog A; plus strand). Cytogenetic location: 9q21.2.
Variant type: Duplication.
Coding change: c.8653dup on transcript NM_033305.3 (MANE Select); coding-DNA position 8653, one base duplicated (T; older notation c.8653dupT).
Protein change: p.Tyr2885fs; shifts the reading frame from tyrosine 2885.
Molecular consequence: frameshift variant.
Genome position (GRCh38, 1-based): chr9:77,369,398, T duplicated; the last of 7 consecutive T bases (chr9:77,369,392-77,369,398); duplicating any one gives the same sequence. VCF-style (leftmost placement, unchanged base first): chr9-77369391-A-AT. GRCh37 (hg19) VCF-style: chr9-79984307-A-AT.
Other names: c.8536dup, p.Tyr2846fs (NM_001018037.2); c.8653dup, p.Tyr2885fs (NM_001018038.3, NM_015186.4); short protein forms Y2846fs, Y2885fs.
Identifiers: ClinVar variation 2907392 (VCV002907392.3), dbSNP rs775734065, ClinGen allele CA5093698.
Genomic context (GRCh38, chr9:77,369,391, plus strand): 5'-ACTTGATGTTTTGGGAAATCCATTTGGCTTAATTAGAGAATTTTCTGAAGGTGTAGAAGC[A>AT]TTTTTTTATGAACCTTACCAGGTAAAATAGTTATTTTTGTGGTTGTGCAATATGTCACTA-3'